The following is an entry in ClinVar:

ClinVar aggregate classification (germline): Uncertain significance (1 of 4 stars; one submission).

Conditions:
Intellectual disability, autosomal recessive 53 (NEDHSCA). Also called: NEURODEVELOPMENTAL DISORDER WITH OR WITHOUT HYPOTONIA, SEIZURES, AND CEREBELLAR ATROPHY; GLYCOSYLPHOSPHATIDYLINOSITOL BIOSYNTHESIS DEFECT 13; Mental retardation, autosomal recessive 53. Identifiers: Orphanet 488635, MedGen C4310794, MONDO:0014832, OMIM 616917.

Allele frequency attached by ClinVar (database versions not stated): gnomAD exomes below 0.00001.

Submission:

Labcorp Genetics (formerly Invitae), Labcorp
Classification: Uncertain significance for Intellectual disability, autosomal recessive 53. Last evaluated: 2021-09-15. Review status: criteria provided, single submitter. Criteria: Invitae Variant Classification Sherloc (09022015). Collection method: clinical testing. Allele origin: germline.
Comment: This sequence change replaces proline with leucine at codon 536 of the PIGG protein (p.Pro536Leu). The proline residue is weakly conserved and there is a moderate physicochemical difference between proline and leucine. This variant is not present in population databases (ExAC no frequency). This variant has not been reported in the literature in individuals affected with PIGG-related conditions. Algorithms developed to predict the effect of missense changes on protein structure and function output the following: SIFT: "Tolerated"; PolyPhen-2: "Benign"; Align-GVGD: "Class C0". The leucine amino acid residue is found in multiple mammalian species, which suggests that this missense change does not adversely affect protein function. In summary, the available evidence is currently insufficient to determine the role of this variant in disease. Therefore, it has been classified as a Variant of Uncertain Significance.

NM_001127178.3(PIGG):c.1607C>T (p.Pro536Leu)

Gene: PIGG (phosphatidylinositol glycan anchor biosynthesis class G (EMM blood group); plus strand). Cytogenetic location: 4p16.3.
Variant type: single nucleotide variant.
Coding change: c.1607C>T on transcript NM_001127178.3 (MANE Select); coding-DNA position 1607, C replaced by T.
Protein change: p.Pro536Leu; replaces proline 536 with leucine.
Molecular consequence: missense variant. On other transcripts: 3 prime UTR variant (2), non-coding transcript variant (10).
Genome position (GRCh38, 1-based): chr4:521,934, C>T. VCF-style: chr4-521934-C-T. GRCh37 (hg19) VCF-style: chr4-515723-C-T.
Other names: c.1340C>T, p.Pro447Leu (NM_001289053.2, NM_001345986.2, NM_001289051.2); c.*169C>T (NM_001289055.2); c.*222C>T (NM_001289057.2); c.1316C>T, p.Pro439Leu (NM_001345987.2); c.578C>T, p.Pro193Leu (NM_001345988.2); c.1607C>T, p.Pro536Leu (NM_001345989.2); c.74C>T, p.Pro25Leu (NM_001345990.2, NM_001345991.2); c.509C>T, p.Pro170Leu (NM_001345994.2); and 2 more; short protein forms P170L, P193L, P439L, P528L, P447L, P25L, P403L, P536L.
Identifiers: ClinVar variation 1419791 (VCV001419791.6), dbSNP rs2108950276, ClinGen allele CA355905161.